The following is an entry in ClinVar:

ClinVar aggregate classification (germline): Uncertain significance (1 of 4 stars; one submission).

Conditions:
Microcephaly, normal intelligence and immunodeficiency (NBS). Also called: BERLIN BREAKAGE SYNDROME; SEEMANOVA SYNDROME II; Immunodeficiency, microcephaly with normal intelligence; Ataxia telangiectasia variant V1; Nijmegen breakage syndrome; IMMUNODEFICIENCY, MICROCEPHALY, AND CHROMOSOMAL INSTABILITY. Identifiers: Orphanet 647, MedGen C0398791, MONDO:0009623, OMIM 251260.

Submission:

Labcorp Genetics (formerly Invitae), Labcorp
Classification: Uncertain significance for Microcephaly, normal intelligence and immunodeficiency. Last evaluated: 2021-08-02. Review status: criteria provided, single submitter. Criteria: Invitae Variant Classification Sherloc (09022015). Collection method: clinical testing. Allele origin: germline.
Comment: This sequence change replaces glutamic acid with glutamine at codon 368 of the NBN protein (p.Glu368Gln). The glutamic acid residue is highly conserved and there is a small physicochemical difference between glutamic acid and glutamine. This variant is not present in population databases (ExAC no frequency). In summary, the available evidence is currently insufficient to determine the role of this variant in disease. Therefore, it has been classified as a Variant of Uncertain Significance. Algorithms developed to predict the effect of missense changes on protein structure and function output the following: SIFT: "Tolerated"; PolyPhen-2: "Benign"; Align-GVGD: "Class C0". The glutamine amino acid residue is found in multiple mammalian species, which suggests that this missense change does not adversely affect protein function. This variant has not been reported in the literature in individuals affected with NBN-related conditions.

NM_002485.5(NBN):c.1102G>C (p.Glu368Gln)

Gene: NBN (nibrin; minus strand). Cytogenetic location: 8q21.3.
Variant type: single nucleotide variant.
Coding change: c.1102G>C on transcript NM_002485.5 (MANE Select); coding-DNA position 1102, G replaced by C.
Protein change: p.Glu368Gln; replaces glutamic acid 368 with glutamine.
Molecular consequence: missense variant.
Genome position (GRCh38, 1-based): chr8:89,958,747, C>G on the plus strand (G>C on the coding strand, the complement: NBN is on the minus strand). VCF-style: chr8-89958747-C-G. GRCh37 (hg19) VCF-style: chr8-90970975-C-G.
Other names: c.856G>C, p.Glu286Gln (NM_001024688.3); short protein forms E368Q, E286Q.
Identifiers: ClinVar variation 1500596 (VCV001500596.6), dbSNP rs2129744825, ClinGen allele CA371656608.